The following is an entry in ClinVar:

ClinVar aggregate classification (germline): Likely pathogenic (1 of 4 stars; one submission).

Conditions:
Inborn genetic diseases. Identifiers: MedGen C0950123, MeSH D030342.

Submission:

Ambry Genetics
Classification: Likely pathogenic for Inborn genetic diseases. Last evaluated: 2021-09-07. Review status: criteria provided, single submitter. Criteria: Ambry Variant Classification Scheme 2023. Collection method: clinical testing. Allele origin: germline.
Comment: The c.1506_1521del16 (p.C502*) alteration, located in exon 10 (coding exon 10) of the ALDH5A1 gene, consists of a deletion of 16 nucleotides from position 1506 to 1521, causing a translational frameshift with a predicted alternate stop codon after amino acids. This alteration occurs at the 3' terminus of the ALDH5A1 gene, is not expected to trigger nonsense-mediated mRNA decay, and only impacts the last 34 amino acids of the protein. However, premature stop codons are typically deleterious in nature and the impacted region is critical for protein function (Ambry internal data). This variant was not reported in population-based cohorts in the Genome Aggregation Database (gnomAD). Based on the available evidence, this alteration is classified as likely pathogenic.

NM_001080.3(ALDH5A1):c.1506_1521del (p.Glu501_Cys502insTer)

Gene: ALDH5A1 (aldehyde dehydrogenase 5 family member A1; plus strand). Cytogenetic location: 6p22.3.
Variant type: Deletion.
Coding change: c.1506_1521del on transcript NM_001080.3 (MANE Select); coding-DNA positions 1506 to 1521, 16 bases deleted (CCCTTTTGGTGGAGTG).
Protein change: p.Glu501_Cys502insTer.
Molecular consequence: nonsense.
Genome position (GRCh38, 1-based): chr6:24,533,610-24,533,625, CCCTTTTGGTGGAGTG deleted; deleting any 16 consecutive bases within chr6:24,533,602-24,533,625 gives the same sequence; the c. name uses the placement nearest the transcript's 3' end. VCF-style (leftmost placement, unchanged base first): chr6-24533601-TGTGGAGTGCCCTTTTG-T. GRCh37 (hg19) VCF-style: chr6-24533829-TGTGGAGTGCCCTTTTG-T.
Other names: c.1362_1377del, p.Glu453_Cys454insTer (NM_001368954.1); c.1545_1560del, p.Glu514_Cys515insTer (NM_170740.1); c.1506_1521del16 (NM_001080.3).
Identifiers: ClinVar variation 2240415 (VCV002240415.2), dbSNP rs1759979356, ClinGen allele CA2580074571.